The following is an entry in ClinVar:

ClinVar aggregate classification (germline): Likely benign (1 of 4 stars; one submission).

Conditions:
HTR2C-related disorder. Also called: HTR2C-related condition.

gnomAD v4.1: 1 of 1,055,844 alleles (0.000095%); no homozygotes.

Submission:

PreventionGenetics, part of Exact Sciences
Classification: Likely benign for HTR2C-related condition. Last evaluated: 2025-02-07. Review status: criteria provided, single submitter. Criteria: ACMG Guidelines, 2015. Collection method: clinical testing. Allele origin: germline.
Comment: This variant is classified as likely benign based on ACMG/AMP sequence variant interpretation guidelines (Richards et al. 2015 PMID: 25741868, with internal and published modifications).

NM_000868.4(HTR2C):c.35+6G>T

Gene: HTR2C (5-hydroxytryptamine receptor 2C; plus strand). Cytogenetic location: Xq23.
Variant type: single nucleotide variant.
Coding change: c.35+6G>T on transcript NM_000868.4 (MANE Select); 6 bases into the intron after coding-DNA position 35, G replaced by T.
Molecular consequence: intron variant.
Genome position (GRCh38, 1-based): chrX:114,726,977, G>T. VCF-style: chrX-114726977-G-T. GRCh37 (hg19) VCF-style: chrX-113961386-G-T.
Other names: c.35+6G>T (NM_001256760.3, NM_001256761.3).
Identifiers: ClinVar variation 4997052 (VCV004997052.1).